The following continues an entry in ClinVar:

NM_000169.3(GLA):c.352C>T (p.Arg118Cys)

ClinVar aggregate classification (germline): Conflicting classifications of pathogenicity. Uncertain significance (19); Likely benign (4).

Submissions 8 to 14 of 28:

Color Diagnostics, LLC DBA Color Health
Classification: Uncertain significance for Fabry disease. Last evaluated: 2025-03-24. Review status: criteria provided, single submitter. Criteria: ACMG Guidelines, 2015. Collection method: clinical testing. Allele origin: germline.
Comment: This missense variant replaces arginine with cysteine at codon 118 of the GLA protein. Computational prediction tool is inconclusive regarding the impact of this variant on protein structure and function. Functional studies have shown that this variant causes partially reduced GLA enzyme activity in mammalian cells (PMID: 23935525, 16773563). This variant has been reported in individuals affected with late-onset Fabry disease (PMID: 20122163, 22551898, 25468652, 35743707) and with hypertrophic cardiomyopathy (PMID: 31291414, 32531501, Koraichi et al. 2021, DOI: 10.1016/j.acvdsp.2020.10.086). A study of 22 individuals of Portuguese and Spanish ancestry carrying this variant, including 3 homozygous females, has suggested that this variant does not appear to segregate with Fabry disease (PMID: 25468652). This variant has been observed in an individual affected with idiopathic end-stage renal failure (PMID: 31566927); This variant has been identified in 48/205229 chromosomes in the general population by the Genome Aggregation Database (gnomAD) and includes 17 hemizygous observations. In summary, while this variant has been reported in individuals affected with GLA-related disorders, the role of this variant in disease cannot be determined conclusively due to the frequent variant observation in unaffected individuals. Therefore, this variant is classified as a Variant of Uncertain Significance.

ARUP Laboratories, Molecular Genetics and Genomics, ARUP Laboratories
Classification: Uncertain significance. Last evaluated: 2024-12-18. Review status: criteria provided, single submitter. Criteria: ARUP Molecular Germline Variant Investigation Process 2024. Collection method: clinical testing. Allele origin: germline.
Comment: The GLA c.352C>T; p.Arg118Cys variant (rs148158093, ClinVar Variation ID: 42454) has a controversial disease association in the literature. This variant is found in the non-Finnish European population with an allele frequency of 0.04% (41/ 92573 alleles, including 16 hemizygotes) in the Genome Aggregation Database (v2.1.1). This frequency in the general population precludes a pathogenic role in classic Fabry disease (FD), which has an estimated prevalence of between 1:50,000 - 1:117,000 males (Mehta and Hughes 2024). Consistent with this assumption, this variant has been identified in a number of individuals determined to be either completely asymptomatic, or presenting with comorbidities considered unrelated to classic FD (Ferreira 2015, Samuelsson 2019, Azevedo 2020). Furthermore, this variant was identified in cis to a multi-exon deletion in several members of a family with classic FD (Barbeito-Caamano 2018). However, both in vitro and clinical testing from patient samples indicate this variant interferes with normal alpha-Gal activity (Spada 2006 and Lukas 2013), and individuals harboring this variant are often identified via newborn screening (Spada 2006). The residual enzyme activity, between 20-30% of wild-type, is consistent with other GLA gene variants associated with late onset FD; also known as the â€œcardiacâ€ or â€œrenalâ€ variants of the condition. As suggested by the functional evidence, the p.Arg118Cys variant has been identified in a number of patients presenting with symptoms consistent with this late onset form, including left ventricular hypertrophy (Caetano 2014, Chaves-Markman 2019), stroke (Baptista 2010), kidney disease/dysfunction (Ceron-Rodriguez 2019, Schrezenmeier 2021, Connaughton 2019), and angiokeratomas (Ferreira 2015). While it is possible that this variant may contribute to later-onset/low-penetrant symptoms associated with FD, due to conflicting information, the clinical significance of this variant is uncertain at this time. References: Azevedo O et al. Predictors of Fabry disease in patients with hypertrophic cardiomyopathy: How to guide the diagnostic strategy? Am Heart J. 2020 Barbeito-Caamano C . The p.Arg118Cys Variant in the GLA Gene Does Not Cause Fabry Disease. More Evidence. Rev Esp Cardiol (Engl Ed). 2018 Oct;71(10):871-873. PMID: 28941980. Baptista MV et al. Mutations of the GLA gene in young patients with stroke: the PORTYSTROKE study--screening genetic conditions in Portuguese young stroke patients. Stroke. 2010 Mar;41(3):431-6. PMID: 20110537. Caetano F et al. Fabry disease presenting as apical left ventricular hypertrophy in a patient carrying the missense mutation R118C. Rev Port Cardiol. 2014 Mar;33(3):183.e1-5. PMID: 24661928. Ceron-Rodriguez M et al. Renal globotriaosylceramide deposits for Fabry disease linked to uncertain pathogenicity gene variant c.352C>T/p.Arg118Cys: A family study. Mol Genet Genomic Med. 2019 Nov;7(11):e981. PMID: 31566927 Chaves-Markman AV et al. GLA Gene Mutation in Hypertrophic Cardiomyopathy with a New Variant Description: Is it Fabry's Disease? Arq Bras Cardiol. 2019 Jul 10;113(1):77-84. PMID: 31291414 Ferreira S et al. The alpha-galactosidase A p.Arg118Cys variant does not cause a Fabry disease phenotype: data from individual patients and family studies. Mol Genet Metab. 2015 Feb;114(2):248-58. PMID: 25468652 Connaughton DM et al. Monogenic causes of chronic kidney disease in adults. Kidney Int. 2019 Apr;95(4):914-928. PMID: 30773290 Lukas J et al. Functional characterisation of alpha-galactosidase a mutations as a basis for a new classification system in fabry disease. PLoS Genet. 2013;9(8):e1003632. PMID: 23935525 Mehta A and Hughes DA. Fabry Disease. 2024 GeneReviews (R) Seattle (WA): University of Washington, Seattle; 1993-2024. Available from an online resource Samuelsson K et al. Screening for Fabry disease and Hereditary ATTR amyloidosis in idiopathic small-fiber and mixed neuropathy. Muscle Nerve. 2019 Mar;59(3):354-357. PMID: 30246259. Schrezenmeier E et al. The underestimated burden of monogenic kidney disease in adults waitlisted for kidney transplantation. Genet Med. 2021 Jul;23(7):1219-1224. PMID: 33712733 Spada M et al. High incidence of later-onset fabry disease revealed by newborn screening. Am J Hum Genet. 2006 Jul;79(1):31-40. PMID: 16773563

Blueprint Genetics
Classification: Uncertain significance. Last evaluated: 2024-08-27. Review status: criteria provided, single submitter. Criteria: ACMG Guidelines, 2015. Collection method: clinical testing. Allele origin: germline.

CeGaT Center for Human Genetics Tuebingen
Classification: Likely benign. Last evaluated: 2023-07-01. Review status: criteria provided, single submitter. Criteria: CeGaT Center For Human Genetics Tuebingen Variant Classification Criteria Version 2. Collection method: clinical testing. Allele origin: germline. Affected: yes. Observed: 1 variant allele.
Comment: GLA: BS2

GeneDx
Classification: Likely benign. Last evaluated: 2023-05-23. Review status: criteria provided, single submitter. Criteria: GeneDx Variant Classification Process June 2021. Collection method: clinical testing. Allele origin: germline. Affected: yes.
Comment: See Variant Classification Assertion Criteria.

Mayo Clinic Laboratories, Mayo Clinic
Classification: Uncertain significance. Last evaluated: 2022-11-30. Review status: criteria provided, single submitter. Criteria: ACMG Guidelines, 2015. Collection method: clinical testing. Allele origin: germline. Observed: 3 variant alleles.

Clinical Genetics Laboratory, Skane University Hospital Lund
Classification: Uncertain significance. Last evaluated: 2022-05-27. Review status: criteria provided, single submitter. Criteria: ACMG Guidelines, 2015. Collection method: clinical testing. Allele origin: germline. Affected: yes.